The following is an entry in ClinVar:

NC_000023.10:g.(?_66863078)_(66943703_?)del

Gene: AR (androgen receptor; plus strand). Cytogenetic location: Xq12.
Variant type: Deletion.
Identifiers: ClinVar variation 1071362 (VCV001071362.1).

ClinVar aggregate classification (germline): Pathogenic (1 of 4 stars; one submission).

Conditions:
Androgen resistance syndrome (AIS). Also called: ANDROGEN RECEPTOR DEFICIENCY; DIHYDROTESTOSTERONE RECEPTOR DEFICIENCY; TESTICULAR FEMINIZATION SYNDROME; Androgen insensitivity syndrome; Androgen insensitivity, complete; DHTR DEFICIENCY. Identifiers: Orphanet 754, Orphanet 99429, MedGen C0039585, MONDO:0019154, OMIM 300068. Disease mechanism: loss of function.
Kennedy disease (SMAX1). Also called: KENNEDY SPINAL AND BULBAR MUSCULAR ATROPHY; Spinal and Bulbar Muscular Atrophy; SPINAL AND BULBAR MUSCULAR ATROPHY, X-LINKED 1. Identifiers: Orphanet 481, MedGen C1839259, MONDO:0010735, OMIM 313200.

Submission:

Labcorp Genetics (formerly Invitae), Labcorp
Classification: Pathogenic for Kennedy disease; Androgen resistance syndrome. Last evaluated: 2020-06-02. Review status: criteria provided, single submitter. Criteria: Invitae Variant Classification Sherloc (09022015). Collection method: clinical testing. Allele origin: germline.
Comment: This variant is a gross deletion of the genomic region encompassing exon(s) 2-8 of the AR gene. The 5' boundary is likely confined to intron 1. The 3' end of this event is unknown as it extends through the termination codon beyond the assayed region for this gene and may encompass additional genes. While this deletion is not anticipated to result in nonsense mediated decay, it is expected to create a truncated protein product or disrupt mRNA translation. A similar deletion has been observed in individual(s) with clinical features of androgen insensitivity syndrome (PMID: 8990010, Invitae). This is also known as deletion of exons B-H in the literature. For these reasons, this variant has been classified as Pathogenic.

Literature cited by the submitters: PubMed 8990010.